The following is an entry in ClinVar:

NM_003632.3(CNTNAP1):c.1861C>T (p.Arg621Ter)

Gene: CNTNAP1 (contactin associated protein 1; plus strand). Cytogenetic location: 17q21.2.
Variant type: single nucleotide variant.
Coding change: c.1861C>T on transcript NM_003632.3 (MANE Select); coding-DNA position 1861, C replaced by T.
Protein change: p.Arg621Ter; replaces arginine 621 with a stop codon.
Molecular consequence: nonsense.
Genome position (GRCh38, 1-based): chr17:42,690,744, C>T. VCF-style: chr17-42690744-C-T. GRCh37 (hg19) VCF-style: chr17-40842762-C-T.
Other names: short protein forms R621*.
Identifiers: ClinVar variation 4737661 (VCV004737661.1).

ClinVar aggregate classification (germline): Pathogenic (1 of 4 stars; one submission).

Submission:

Labcorp Genetics (formerly Invitae), Labcorp
Classification: Pathogenic. Last evaluated: 2025-05-18. Review status: criteria provided, single submitter. Criteria: Invitae Variant Classification Sherloc (09022015). Collection method: clinical testing. Allele origin: germline.
Comment: This sequence change creates a premature translational stop signal (p.Arg621*) in the CNTNAP1 gene. It is expected to result in an absent or disrupted protein product. Loss-of-function variants in CNTNAP1 are known to be pathogenic (PMID: 24319099). This variant is not present in population databases (gnomAD no frequency). This premature translational stop signal has been observed in individual(s) with clinical features of CNTNAP1-related conditions (PMID: 37010288). For these reasons, this variant has been classified as Pathogenic.

Literature cited by the submitters: PubMed 24319099; PubMed 37010288.